The following is an entry in ClinVar:

NM_153700.2(STRC):c.1516C>T (p.Gln506Ter)

Gene: STRC (stereocilin; minus strand). Cytogenetic location: 15q15.3.
Variant type: single nucleotide variant.
Coding change: c.1516C>T on transcript NM_153700.2 (MANE Select); coding-DNA position 1516, C replaced by T.
Protein change: p.Gln506Ter; replaces glutamine 506 with a stop codon.
Molecular consequence: nonsense.
Genome position (GRCh38, 1-based): chr15:43,616,050, G>A on the plus strand (C>T on the coding strand, the complement: STRC is on the minus strand). VCF-style: chr15-43616050-G-A. GRCh37 (hg19) VCF-style: chr15-43908248-G-A.
Other names: short protein forms Q506*.
Identifiers: ClinVar variation 4997041 (VCV004997041.1).

ClinVar aggregate classification (germline): Likely pathogenic (1 of 4 stars; one submission).

Conditions:
STRC-related disorder. Also called: STRC-related condition.

Submission:

PreventionGenetics, part of Exact Sciences
Classification: Likely pathogenic for STRC-related condition. Last evaluated: 2025-03-06. Review status: criteria provided, single submitter. Criteria: ACMG Guidelines, 2015. Collection method: clinical testing. Allele origin: germline.
Comment: The STRC c.1516C>T variant is predicted to result in premature protein termination (p.Gln506*). To our knowledge, this variant has not been reported in the literature or in a large population database (gnomAD) indicating this variant is rare; however, the coverage of this variant should be interpreted with caution. Nonsense variants in STRC are expected to be pathogenic. This variant is interpreted as likely pathogenic.